The following is an entry in ClinVar:

ClinVar aggregate classification (germline): Pathogenic (1 of 4 stars; one submission).

Conditions:
Familial adenomatous polyposis 1 (FAP1). Also called: FAMILIAL ADENOMATOUS POLYPOSIS 1, ATTENUATED; POLYPOSIS, ADENOMATOUS INTESTINAL. Identifiers: MedGen C2713442, MONDO:0021056, OMIM 175100. Disease mechanism: loss of function.

Submission:

Labcorp Genetics (formerly Invitae), Labcorp
Classification: Pathogenic for Familial adenomatous polyposis 1. Last evaluated: 2020-01-10. Review status: criteria provided, single submitter. Criteria: Invitae Variant Classification Sherloc (09022015). Collection method: clinical testing. Allele origin: germline.
Comment: A different truncation (p.Tyr2645Lysfs*14) that lies downstream of this variant has been determined to be pathogenic (PMID: 9824584, 1316610, 27081525, 8381579, 22135120, Invitae). This suggests that deletion of this region of the APC protein is causative of disease. For these reasons, this variant has been classified as Pathogenic. This variant is expected to disrupt the EB1 and HDLG binding sites, which mediate interactions with the cytoskeleton (PMID: 15311282, 17293347). While functional studies have not been performed to directly test the effect on APC protein function, this suggests that disruption of the C-terminal portion of the protein is functionally important. This variant has not been reported in the literature in individuals with APC-related conditions. This variant is not present in population databases (ExAC no frequency). This sequence change results in a premature translational stop signal in the APC gene (p.Met1638Asnfs*8). While this is not anticipated to result in nonsense mediated decay, it is expected to disrupt the last 1,206 amino acids of the APC protein.

Literature cited by the submitters: PubMed 9824584; PubMed 1316610; PubMed 27081525; PubMed 8381579; PubMed 22135120; PubMed 15311282; PubMed 17293347.

NM_000038.6(APC):c.4912dup (p.Met1638fs)

Gene: APC (APC regulator of Wnt signaling pathway; plus strand). Cytogenetic location: 5q22.2.
Variant type: Duplication.
Coding change: c.4912dup on transcript NM_000038.6 (MANE Select); coding-DNA position 4912, one base duplicated (A; older notation c.4912dupA).
Protein change: p.Met1638fs; shifts the reading frame from methionine 1638.
Molecular consequence: frameshift variant.
Genome position (GRCh38, 1-based): chr5:112,840,506, A duplicated. VCF-style (leftmost placement, unchanged base first): chr5-112840505-T-TA. GRCh37 (hg19) VCF-style: chr5-112176202-T-TA.
Other names: c.4912dup, p.Met1638fs (NM_001127510.3, NM_001354895.2); c.4858dup, p.Met1620fs (NM_001127511.3); c.4966dup, p.Met1656fs (NM_001354896.2); c.4942dup, p.Met1648fs (NM_001354897.2); c.4837dup, p.Met1613fs (NM_001354898.2); c.4828dup, p.Met1610fs (NM_001354899.2); c.4789dup, p.Met1597fs (NM_001354900.2); c.4735dup, p.Met1579fs (NM_001354901.2); and 5 more; short protein forms M1355fs, M1478fs, M1512fs, M1537fs, M1547fs, M1579fs, M1597fs, M1610fs.
Identifiers: ClinVar variation 1075281 (VCV001075281.10), dbSNP rs2149927195, ClinGen allele CA2499217491.